The following is an entry in ClinVar:

NM_000161.3(GCH1):c.593G>A (p.Arg198Gln)

Gene: GCH1 (GTP cyclohydrolase 1; minus strand). Cytogenetic location: 14q22.2.
Variant type: single nucleotide variant.
Coding change: c.593G>A on transcript NM_000161.3 (MANE Select); coding-DNA position 593, G replaced by A.
Protein change: p.Arg198Gln; replaces arginine 198 with glutamine.
Molecular consequence: missense variant.
Genome position (GRCh38, 1-based): chr14:54,845,801, C>T on the plus strand (G>A on the coding strand, the complement: GCH1 is on the minus strand). VCF-style: chr14-54845801-C-T. GRCh37 (hg19) VCF-style: chr14-55312519-C-T.
Other names: c.593G>A, p.Arg198Gln (NM_001024024.2, NM_001024070.2, NM_001024071.2); short protein forms R198Q.
Identifiers: ClinVar variation 641978 (VCV000641978.5), dbSNP rs201238926, ClinGen allele CA7193531.

ClinVar aggregate classification (germline): Uncertain significance (1 of 4 stars; one submission).

Conditions:
Dystonia 5 (DRD). Also called: Dystonia, DOPA-responsive, with or without hyperphenylalaninemia; DYSTONIA, PROGRESSIVE, WITH DIURNAL VARIATION; DYSTONIA-PARKINSONISM WITH DIURNAL FLUCTUATION; DYT-GCH1; GTP Cyclohydrolase 1-Deficient Dopa-Responsive Dystonia. Identifiers: Orphanet 98808, MedGen C1851920, MONDO:0007495, OMIM 128230.
GTP cyclohydrolase I deficiency. Identifiers: MedGen C0268467, MONDO:0100184.

Allele frequency attached by ClinVar (database versions not stated): ExAC 0.00002; gnomAD exomes 0.00002; ESP Exome Variant Server 0.00008; gnomAD 0.00008 and 0.00009; TOPMed 0.00009.
gnomAD v4.1: 43 of 1,610,326 alleles (0.0027%); highest among the groups gnomAD compares: African/African-American, 0.0067%; no homozygotes.

Submission:

Labcorp Genetics (formerly Invitae), Labcorp
Classification: Uncertain significance for GTP cyclohydrolase I deficiency; Dystonia 5. Last evaluated: 2025-08-21. Review status: criteria provided, single submitter. Criteria: Invitae Variant Classification Sherloc (09022015). Collection method: clinical testing. Allele origin: germline.
Comment: This sequence change replaces arginine, which is basic and polar, with glutamine, which is neutral and polar, at codon 198 of the GCH1 protein (p.Arg198Gln). This variant is present in population databases (rs201238926, gnomAD 0.004%). This missense change has been observed in individual(s) with Parkinson's disease (PMID: 24993959, 28582483). ClinVar contains an entry for this variant (Variation ID: 641978). Invitae Evidence Modeling of protein sequence and biophysical properties (such as structural, functional, and spatial information, amino acid conservation, physicochemical variation, residue mobility, and thermodynamic stability) indicates that this missense variant is not expected to disrupt GCH1 protein function with a negative predictive value of 80%. In summary, the available evidence is currently insufficient to determine the role of this variant in disease. Therefore, it has been classified as a Variant of Uncertain Significance.

Literature cited by the submitters: PubMed 24993959; PubMed 28582483.